The following is an entry in ClinVar:

NM_002900.3(RBP3):c.1205A>G (p.Asp402Gly)

Gene: RBP3 (retinol binding protein 3; plus strand). Cytogenetic location: 10q11.22.
Variant type: single nucleotide variant.
Coding change: c.1205A>G on transcript NM_002900.3 (MANE Select); coding-DNA position 1205, A replaced by G.
Protein change: p.Asp402Gly; replaces aspartic acid 402 with glycine.
Molecular consequence: missense variant.
Genome position (GRCh38, 1-based): chr10:47,349,689, A>G. VCF-style: chr10-47349689-A-G. GRCh37 (hg19) VCF-style: chr10-48389673-T-C.
Other names: short protein forms D402G.
Identifiers: ClinVar variation 1409862 (VCV001409862.6), dbSNP rs1320681805, ClinGen allele CA376668881.

ClinVar aggregate classification (germline): Uncertain significance (1 of 4 stars; one submission).

Allele frequency attached by ClinVar (database versions not stated): TOPMed 0.00001; gnomAD exomes 0.00002.
gnomAD v4.1: 24 of 1,611,584 alleles (0.0015%); highest among the groups gnomAD compares: Non-Finnish European, 0.002%; no homozygotes.

Submission:

Labcorp Genetics (formerly Invitae), Labcorp
Classification: Uncertain significance. Last evaluated: 2022-10-25. Review status: criteria provided, single submitter. Criteria: Invitae Variant Classification Sherloc (09022015). Collection method: clinical testing. Allele origin: germline.
Comment: In summary, the available evidence is currently insufficient to determine the role of this variant in disease. Therefore, it has been classified as a Variant of Uncertain Significance. Algorithms developed to predict the effect of missense changes on protein structure and function output the following: SIFT: "Tolerated"; PolyPhen-2: "Benign"; Align-GVGD: "Class C0". The glycine amino acid residue is found in multiple mammalian species, which suggests that this missense change does not adversely affect protein function. ClinVar contains an entry for this variant (Variation ID: 1409862). This variant has not been reported in the literature in individuals affected with RBP3-related conditions. This variant is not present in population databases (gnomAD no frequency). This sequence change replaces aspartic acid, which is acidic and polar, with glycine, which is neutral and non-polar, at codon 402 of the RBP3 protein (p.Asp402Gly).